The following is an entry in ClinVar:

NM_032119.4(ADGRV1):c.8033C>G (p.Thr2678Ser)

Gene: ADGRV1 (adhesion G protein-coupled receptor V1; plus strand). Cytogenetic location: 5q14.3.
Variant type: single nucleotide variant.
Coding change: c.8033C>G on transcript NM_032119.4 (MANE Select); coding-DNA position 8033, C replaced by G.
Protein change: p.Thr2678Ser; replaces threonine 2678 with serine.
Molecular consequence: missense variant. On other transcripts: non-coding transcript variant (1).
Genome position (GRCh38, 1-based): chr5:90,697,024, C>G. VCF-style: chr5-90697024-C-G. GRCh37 (hg19) VCF-style: chr5-89992841-C-G.
Other names: short protein forms T2678S.
Identifiers: ClinVar variation 1489305 (VCV001489305.3), dbSNP rs2149656777, ClinGen allele CA360385135.

ClinVar aggregate classification (germline): Uncertain significance (1 of 4 stars; one submission).

Submission:

Labcorp Genetics (formerly Invitae), Labcorp
Classification: Uncertain significance. Last evaluated: 2021-12-08. Review status: criteria provided, single submitter. Criteria: Invitae Variant Classification Sherloc (09022015). Collection method: clinical testing. Allele origin: germline.
Comment: This sequence change replaces threonine, which is neutral and polar, with serine, which is neutral and polar, at codon 2678 of the ADGRV1 protein (p.Thr2678Ser). This variant is not present in population databases (gnomAD no frequency). This variant has not been reported in the literature in individuals affected with ADGRV1-related conditions. Algorithms developed to predict the effect of missense changes on protein structure and function are either unavailable or do not agree on the potential impact of this missense change (SIFT: "Deleterious"; PolyPhen-2: "Possibly Damaging"; Align-GVGD: "Class C0"). In summary, the available evidence is currently insufficient to determine the role of this variant in disease. Therefore, it has been classified as a Variant of Uncertain Significance.